The following is an entry in ClinVar:

ClinVar aggregate classification (germline): Uncertain significance. Review status: criteria provided, multiple submitters, no conflicts (2 of 4 stars). 8 submissions from 8 submitters: Uncertain significance (7). 1 of the submissions does not count toward it. Last evaluated 2025-12-19.

Conditions:
Amelogenesis imperfecta type 1A. Also called: Amelogenesis imperfecta local hypoplastic; Amelogenesis imperfecta, hypoplastic type; Amelogenesis imperfecta, type IA; AMELOGENESIS IMPERFECTA, HYPOPLASTIC TYPE IA. Identifiers: Orphanet 88661, MedGen C4011403, MONDO:0007094, OMIM 104530.
Junctional epidermolysis bullosa gravis of Herlitz. Also called: Epidermolysis Bullosa Letalis; Herlitz-type junctional epidermolysis bullosa; EPIDERMOLYSIS BULLOSA, JUNCTIONAL 1B, SEVERE; EPIDERMOLYSIS BULLOSA JUNCTIONALIS, HERLITZ TYPE; EPIDERMOLYSIS BULLOSA, JUNCTIONAL, HERLITZ-PEARSON TYPE; JEB-HERLITZ TYPE. Identifiers: Orphanet 79404, MedGen C0079683, MONDO:0009182, OMIM 226700.
Junctional epidermolysis bullosa, non-Herlitz type. Also called: Adult junctional epidermolysis bullosa; Epidermolysis bullosa, junctional, non-herlitz type, somatic mosaic revertant; COL17A1-Related Junctional Epidermolysis Bullosa; EPIDERMOLYSIS BULLOSA, JUNCTIONAL 1A, INTERMEDIATE; EPIDERMOLYSIS BULLOSA JUNCTIONALIS, DISENTIS TYPE; EPIDERMOLYSIS BULLOSA JUNCTIONALIS, NON-HERLITZ TYPE. Identifiers: Orphanet 251393, Orphanet 79402, Orphanet 79405, Orphanet 89840, MedGen C0268374, MONDO:0009180, OMIM 226650.
Junctional epidermolysis bullosa. Identifiers: Orphanet 305, MedGen C0079301, MONDO:0017612.

Allele frequency attached by ClinVar (database versions not stated): 1000 Genomes Project 0.00060; TOPMed 0.00068; ESP Exome Variant Server 0.00069; 1000 Genomes Project 30x 0.00094.

Submissions (8):

Women's Health and Genetics/Laboratory Corporation of America, LabCorp
Classification: Uncertain significance. Last evaluated: 2025-12-19. Review status: criteria provided, single submitter. Criteria: LabCorp Variant Classification Summary - May 2015. Collection method: clinical testing. Allele origin: germline.
Comment: Variant summary: LAMB3 c.2962C>T (p.Arg988Trp) results in a non-conservative amino acid change in the encoded protein sequence. Algorithms developed to predict the effect of missense changes on protein structure and function are either unavailable or do not agree on the potential impact of this missense change. The variant allele was found at a frequency of 0.00093 in 1614128 control chromosomes in the gnomAD database, including 1 homozygote. This frequency is not significantly higher than estimated for disease-causing variants in LAMB3, allowing no conclusion about variant significance. c.2962C>T has been observed in individuals affected with Junctional Epidermolysis Bullosa as a compound heterozygous genotype without reported phase and as a heterozygous genotype in the presence of variants in an alternate gene associated with the phenotype (example: Saraiya_2015, Lucky_2018, Vahidnezhad_2018). Additionally, the variant has been observed as a heterozygous genotype in an individual with oligodontia, rosette-like molars and premolars, and conical teeth in the presence of a heterozygous variant in an alternate gene also associated with these phenotypic features (example: Guo_2025). These reports do not provide unequivocal conclusions about association of the variant with Junctional Epidermolysis Bullosa. To our knowledge, no experimental evidence demonstrating an impact on protein function has been reported. The following publications have been ascertained in the context of this evaluation (PMID: 29334134, 29364557, 25950805, 40857935). ClinVar contains an entry for this variant (Variation ID: 550265). Based on the evidence outlined above, the variant was classified as uncertain significance.

Blueprint Genetics
Classification: Uncertain significance. Last evaluated: 2024-08-29. Review status: criteria provided, single submitter. Criteria: ACMG Guidelines, 2015. Collection method: clinical testing. Allele origin: germline.

Labcorp Genetics (formerly Invitae), Labcorp
Classification: Uncertain significance. Last evaluated: 2022-10-17. Review status: criteria provided, single submitter. Criteria: Invitae Variant Classification Sherloc (09022015). Collection method: clinical testing. Allele origin: germline.
Comment: This sequence change replaces arginine, which is basic and polar, with tryptophan, which is neutral and slightly polar, at codon 988 of the LAMB3 protein (p.Arg988Trp). This variant is present in population databases (rs2229467, gnomAD 0.1%), and has an allele count higher than expected for a pathogenic variant. This missense change has been observed in individual(s) with LAMB3-related conditions (PMID: 25950805). ClinVar contains an entry for this variant (Variation ID: 550265). Advanced modeling of protein sequence and biophysical properties (such as structural, functional, and spatial information, amino acid conservation, physicochemical variation, residue mobility, and thermodynamic stability) performed at Invitae indicates that this missense variant is expected to disrupt LAMB3 protein function. In summary, the available evidence is currently insufficient to determine the role of this variant in disease. Therefore, it has been classified as a Variant of Uncertain Significance.

Fulgent Genetics
Classification: Uncertain significance for Amelogenesis imperfecta type 1A; Junctional epidermolysis bullosa, non-Herlitz type; Junctional epidermolysis bullosa gravis of Herlitz. Last evaluated: 2021-09-13. Review status: criteria provided, single submitter. Criteria: ACMG Guidelines, 2015. Collection method: clinical testing. Allele origin: unknown.

Genome-Nilou Lab
Classification: Uncertain significance for Junctional epidermolysis bullosa gravis of Herlitz. Last evaluated: 2021-05-18. Review status: criteria provided, single submitter. Criteria: ACMG Guidelines, 2015. Collection method: clinical testing. Allele origin: germline. Affected: no.

Illumina Laboratory Services, Illumina
Classification: Uncertain significance for Junctional epidermolysis bullosa. Last evaluated: 2017-04-28. Review status: criteria provided, single submitter. Criteria: ICSL Variant Classification Criteria 13 December 2019. Collection method: clinical testing. Allele origin: germline.
Comment: This variant was observed as part of a predisposition screen in an ostensibly healthy population. A literature search was performed for the gene, cDNA change, and amino acid change (where applicable). Publications were found based on this search. However, the evidence from the literature, in combination with allele frequency data from public databases where available, was not sufficient to rule this variant in or out of causing disease. Therefore, this variant is classified as a variant of unknown significance.

Breakthrough Genomics
Classification: Uncertain significance. Review status: criteria provided, single submitter. Criteria: ACMG Guidelines, 2015. Collection method: not provided. Allele origin: germline. Inheritance: Autosomal recessive inheritance. Affected: yes.

Counsyl
Classification: Uncertain significance for Junctional epidermolysis bullosa gravis of Herlitz. Last evaluated: 2016-12-27. Review status: no assertion criteria provided. Collection method: clinical testing. Allele origin: unknown. Not counted in ClinVar's aggregate classification.

Literature cited by the submitters: PubMed 29334134 (cited by Women's Health and Genetics/Laboratory Corporation of America, LabCorp); PubMed 29364557 (cited by Women's Health and Genetics/Laboratory Corporation of America, LabCorp); PubMed 25950805 (cited by 4 submitters); PubMed 40857935 (cited by Women's Health and Genetics/Laboratory Corporation of America, LabCorp).

NM_000228.3(LAMB3):c.2962C>T (p.Arg988Trp)

Gene: LAMB3 (laminin subunit beta 3; minus strand). Cytogenetic location: 1q32.2.
Variant type: single nucleotide variant.
Coding change: c.2962C>T on transcript NM_000228.3 (MANE Select); coding-DNA position 2962, C replaced by T.
Protein change: p.Arg988Trp; replaces arginine 988 with tryptophan.
Molecular consequence: missense variant.
Genome position (GRCh38, 1-based): chr1:209,617,996, G>A on the plus strand (C>T on the coding strand, the complement: LAMB3 is on the minus strand). VCF-style: chr1-209617996-G-A. GRCh37 (hg19) VCF-style: chr1-209791341-G-A.
Other names: c.2962C>T, p.Arg988Trp (NM_001017402.2, NM_001127641.1); short protein forms R988W.
Identifiers: ClinVar variation 550265 (VCV000550265.15), dbSNP rs2229467, ClinGen allele CA1375033.